The following is an entry in ClinVar:

ClinVar aggregate classification (germline): Conflicting classifications of pathogenicity. Review status: criteria provided, conflicting classifications (1 of 4 stars). 6 submissions from 6 submitters: Uncertain significance (1); Benign (1); Likely benign (2). 2 of the submissions do not count toward it. Last evaluated 2026-01-23.

Conditions:
Anophthalmia-microphthalmia syndrome. Also called: Anophthalmia/Microphthalmia; Anophthalmia - microphthalmia. Identifiers: Orphanet 98555, MedGen C5680330, MONDO:0020147.

Allele frequency attached by ClinVar (database versions not stated): 1000 Genomes Project 0.00120; ESP Exome Variant Server 0.00123; TOPMed 0.00135; 1000 Genomes Project 30x 0.00141.
gnomAD v4.1: 429 of 1,614,062 alleles (0.027%); highest among the groups gnomAD compares: African/African-American, 0.43%; 1 homozygote.

Submissions (6):

Labcorp Genetics (formerly Invitae), Labcorp
Classification: Benign for Anophthalmia-microphthalmia syndrome. Last evaluated: 2026-01-23. Review status: criteria provided, single submitter. Criteria: Invitae Variant Classification Sherloc (09022015). Collection method: clinical testing. Allele origin: germline.

CeGaT Center for Human Genetics Tuebingen
Classification: Likely benign. Last evaluated: 2025-12-01. Review status: criteria provided, single submitter. Criteria: CeGaT Center For Human Genetics Tuebingen Variant Classification Criteria Version 2. Collection method: clinical testing. Allele origin: germline. Affected: yes. Observed: 2 variant alleles.
Comment: OTX2: BP4, BP7

Blueprint Genetics
Classification: Likely benign. Last evaluated: 2024-10-18. Review status: criteria provided, single submitter. Criteria: ACMG Guidelines, 2015. Collection method: clinical testing. Allele origin: germline.

Eurofins Ntd Llc (ga)
Classification: Uncertain significance. Last evaluated: 2014-08-26. Review status: criteria provided, single submitter. Criteria: EGL Classification Definitions 2015. Collection method: clinical testing. Allele origin: germline. Observed: 1 variant allele, 1 heterozygote.

Clinical Genetics DNA and cytogenetics Diagnostics Lab, Erasmus MC, Erasmus Medical Center
Classification: Likely benign. Review status: no assertion criteria provided. Collection method: clinical testing. Allele origin: germline. Affected: yes. Study: VKGL Data-share Consensus. Not counted in ClinVar's aggregate classification.

Clinical Genetics, Academic Medical Center
Classification: Benign. Review status: no assertion criteria provided. Collection method: clinical testing. Allele origin: germline. Affected: yes. Study: VKGL Data-share Consensus. Not counted in ClinVar's aggregate classification.

NM_021728.4(OTX2):c.444G>C (p.Pro148=)

Gene: OTX2 (orthodenticle homeobox 2; minus strand). Cytogenetic location: 14q22.3.
Variant type: single nucleotide variant.
Coding change: c.444G>C on transcript NM_021728.4 (MANE Select); coding-DNA position 444, G replaced by C.
Protein change: p.Pro148=; no amino-acid change (proline 148 retained).
Molecular consequence: synonymous variant. On other transcripts: non-coding transcript variant (2).
Genome position (GRCh38, 1-based): chr14:56,802,185, C>G on the plus strand (G>C on the coding strand, the complement: OTX2 is on the minus strand). VCF-style: chr14-56802185-C-G. GRCh37 (hg19) VCF-style: chr14-57268903-C-G.
Other names: c.420G>C, p.Pro140= (NM_001270523.2, NM_001270524.2, NM_172337.3); c.444G>C, p.Pro148= (NM_001270525.2).
Identifiers: ClinVar variation 196589 (VCV000196589.26), dbSNP rs147896150, ClinGen allele CA243596.